The following is an entry in ClinVar:

NM_000059.4(BRCA2):c.4171G>C (p.Glu1391Gln)

Gene: BRCA2 (BRCA2 DNA repair associated; plus strand). Cytogenetic location: 13q13.1.
Variant type: single nucleotide variant.
Coding change: c.4171G>C on transcript NM_000059.4 (MANE Select); coding-DNA position 4171, G replaced by C.
Protein change: p.Glu1391Gln; replaces glutamic acid 1391 with glutamine.
Molecular consequence: missense variant. On other transcripts: non-coding transcript variant (1), intron variant (2).
Genome position (GRCh38, 1-based): chr13:32,338,526, G>C. VCF-style: chr13-32338526-G-C. GRCh37 (hg19) VCF-style: chr13-32912663-G-C.
Other names: c.4171G>C, p.Glu1391Gln (NM_001406719.1, NM_001406720.1, NM_001432077.1); c.1909+5139G>C (NM_001406721.1); c.425-6032G>C (NM_001406722.1); short protein forms E1391Q.
Identifiers: ClinVar variation 3572354 (VCV003572354.2).

ClinVar aggregate classification (germline): Uncertain significance. Review status: criteria provided, multiple submitters, no conflicts (2 of 4 stars). 2 submissions from 2 submitters: Uncertain significance (2). Last evaluated 2025-05-01.

Conditions:
Hereditary cancer-predisposing syndrome. Also called: Hereditary Cancer Syndrome; Hereditary neoplastic syndrome; Tumor predisposition; Neoplastic Syndromes, Hereditary. Identifiers: Orphanet 140162, MedGen C0027672, MeSH D009386, MONDO:0015356.

Submissions (2):

Ambry Genetics
Classification: Uncertain significance for Hereditary cancer-predisposing syndrome. Last evaluated: 2025-05-01. Review status: criteria provided, single submitter. Criteria: Ambry Variant Classification Scheme 2023. Collection method: clinical testing. Allele origin: germline.
Comment: The p.E1391Q variant (also known as c.4171G>C), located in coding exon 10 of the BRCA2 gene, results from a G to C substitution at nucleotide position 4171. The glutamic acid at codon 1391 is replaced by glutamine, an amino acid with highly similar properties. This amino acid position is well conserved in available vertebrate species. In addition, the in silico prediction for this alteration is inconclusive. Based on the available evidence, the clinical significance of this variant remains unclear.

Quest Diagnostics Nichols Institute San Juan Capistrano
Classification: Uncertain significance. Last evaluated: 2023-11-06. Review status: criteria provided, single submitter. Criteria: Quest Diagnostics criteria. Collection method: clinical testing. Allele origin: unknown.
Comment: The BRCA2 c.4171G>C (p.Glu1391Gln) variant has not been reported in individuals with BRCA2-related conditions in the published literature. It also has not been reported in large, multi-ethnic general populations (Genome Aggregation Database). Analysis of this variant using bioinformatics tools for the prediction of the effect of amino acid changes on protein structure and function yielded conflicting predictions that this variant is benign or damaging. Based on the available information, we are unable to determine the clinical significance of this variant.